The following is an entry in ClinVar:

NM_004565.3(PEX14):c.156C>T (p.Phe52=)

Gene: PEX14 (peroxisomal biogenesis factor 14; plus strand). Cytogenetic location: 1p36.22.
Variant type: single nucleotide variant.
Coding change: c.156C>T on transcript NM_004565.3 (MANE Select); coding-DNA position 156, C replaced by T.
Protein change: p.Phe52=; no amino-acid change (phenylalanine 52 retained).
Molecular consequence: synonymous variant.
Genome position (GRCh38, 1-based): chr1:10,536,284, C>T. VCF-style: chr1-10536284-C-T. GRCh37 (hg19) VCF-style: chr1-10596341-C-T.
Identifiers: ClinVar variation 259434 (VCV000259434.21), dbSNP rs12375, ClinGen allele CA583724.

ClinVar aggregate classification (germline): Benign. Review status: criteria provided, multiple submitters, no conflicts (2 of 4 stars). 7 submissions from 7 submitters: Benign (6). 1 of the submissions does not count toward it. Last evaluated 2026-02-04.

Conditions:
Peroxisome biogenesis disorder, complementation group K (CGK). Identifiers: MedGen C1866257, MONDO:0800365.
Peroxisome biogenesis disorder 13A (Zellweger). Also called: Peroxisome biogenesis disorder 13A. Identifiers: Orphanet 912, MedGen C3554004, MONDO:0013952, OMIM 614887.

Allele frequency attached by ClinVar (database versions not stated): gnomAD 0.25655 and 0.25602; gnomAD exomes 0.29475 and 0.31064; 1000 Genomes Project 0.22804; 1000 Genomes Project 30x 0.22845; ESP Exome Variant Server 0.24927; TOPMed 0.25291; ExAC 0.28431.
gnomAD v4.1: 487,013 of 1,596,574 alleles (31%); highest among the groups gnomAD compares: Admixed American, 39%; 77,544 homozygotes.

Submissions (7):

Labcorp Genetics (formerly Invitae), Labcorp
Classification: Benign for Peroxisome biogenesis disorder, complementation group K. Last evaluated: 2026-02-04. Review status: criteria provided, single submitter. Criteria: Invitae Variant Classification Sherloc (09022015). Collection method: clinical testing. Allele origin: germline.

Genome-Nilou Lab
Classification: Benign for Peroxisome biogenesis disorder 13A (Zellweger). Last evaluated: 2021-09-05. Review status: criteria provided, single submitter. Criteria: ACMG Guidelines, 2015. Collection method: clinical testing. Allele origin: germline. Affected: no.

GeneDx
Classification: Benign. Last evaluated: 2018-06-13. Review status: criteria provided, single submitter. Criteria: GeneDx Variant Classification (06012015). Collection method: clinical testing. Allele origin: germline. Affected: yes.
Comment: This variant is considered likely benign or benign based on one or more of the following criteria: it is a conservative change, it occurs at a poorly conserved position in the protein, it is predicted to be benign by multiple in silico algorithms, and/or has population frequency not consistent with disease.

Illumina Laboratory Services, Illumina
Classification: Benign for Peroxisome biogenesis disorder 13A (Zellweger). Last evaluated: 2018-01-13. Review status: criteria provided, single submitter. Criteria: ICSL Variant Classification Criteria 13 December 2019. Collection method: clinical testing. Allele origin: germline.
Comment: This variant was observed in the ICSL laboratory as part of a predisposition screen in an ostensibly healthy population. It had not been previously curated by ICSL or reported in the Human Gene Mutation Database (HGMD: prior to June 1st, 2018), and was therefore a candidate for classification through an automated scoring system. Utilizing variant allele frequency, disease prevalence and penetrance estimates, and inheritance mode, an automated score was calculated to assess if this variant is too frequent to cause the disease. Based on the score and internal cut-off values, a variant classified as benign is not then subjected to further curation. The score for this variant resulted in a classification of benign for this disease.

Breakthrough Genomics
Classification: Benign. Review status: criteria provided, single submitter. Criteria: ACMG Guidelines, 2015. Collection method: not provided. Allele origin: germline. Inheritance: Autosomal recessive inheritance. Affected: yes.

PreventionGenetics, part of Exact Sciences
Classification: Benign. Review status: criteria provided, single submitter. Criteria: ACMG Guidelines, 2015. Collection method: clinical testing. Allele origin: germline.

Mayo Clinic Laboratories, Mayo Clinic
Classification: Benign. Last evaluated: 2015-10-21. Review status: no assertion criteria provided. Collection method: clinical testing. Allele origin: unknown. Not counted in ClinVar's aggregate classification.